The following is an entry in ClinVar:

NM_001371395.1(USP53):c.1979G>C (p.Gly660Ala)

Gene: USP53 (ubiquitin specific peptidase 53; plus strand). Cytogenetic location: 4q26.
Variant type: single nucleotide variant.
Coding change: c.1979G>C on transcript NM_001371395.1 (MANE Select); coding-DNA position 1979, G replaced by C.
Protein change: p.Gly660Ala; replaces glycine 660 with alanine.
Molecular consequence: missense variant.
Genome position (GRCh38, 1-based): chr4:119,271,839, G>C. VCF-style: chr4-119271839-G-C. GRCh37 (hg19) VCF-style: chr4-120192994-G-C.
Other names: c.1826G>C, p.Gly609Ala (NM_001371396.1, NM_001389661.1); c.1979G>C, p.Gly660Ala (NM_001371397.1, NM_001371398.1, NM_001371399.1 and 3 more transcripts); c.1829G>C, p.Gly610Ala (NM_001389660.1); c.1631G>C, p.Gly544Ala (NM_001389662.1, NM_001389663.1, NM_001389664.1 and 1 more transcripts); c.1478G>C, p.Gly493Ala (NM_001389665.1, NM_001389667.1); short protein forms G660A, G493A, G544A, G609A, G610A.
Identifiers: ClinVar variation 2055149 (VCV002055149.28), dbSNP rs377270268, ClinGen allele CA3059254.

ClinVar aggregate classification (germline): Uncertain significance. Review status: criteria provided, multiple submitters, no conflicts (2 of 4 stars). 2 submissions from 2 submitters: Uncertain significance (2). Last evaluated 2025-11-18.

Allele frequency attached by ClinVar (database versions not stated): ESP Exome Variant Server 0.00008; ExAC 0.00011; TOPMed 0.00011; gnomAD 0.00015.
gnomAD v4.1: 183 of 1,613,060 alleles (0.011%); highest among the groups gnomAD compares: Non-Finnish European, 0.014%; no homozygotes.

Submissions (2):

Labcorp Genetics (formerly Invitae), Labcorp
Classification: Uncertain significance. Last evaluated: 2025-11-18. Review status: criteria provided, single submitter. Criteria: Invitae Variant Classification Sherloc (09022015). Collection method: clinical testing. Allele origin: germline.
Comment: This sequence change replaces glycine, which is neutral and non-polar, with alanine, which is neutral and non-polar, at codon 660 of the USP53 protein (p.Gly660Ala). This variant is present in population databases (rs377270268, gnomAD 0.02%). This variant has not been reported in the literature in individuals affected with USP53-related conditions. ClinVar contains an entry for this variant (Variation ID: 2055149). Invitae Evidence Modeling of protein sequence and biophysical properties (such as structural, functional, and spatial information, amino acid conservation, physicochemical variation, residue mobility, and thermodynamic stability) indicates that this missense variant is not expected to disrupt USP53 protein function with a negative predictive value of 80%. In summary, the available evidence is currently insufficient to determine the role of this variant in disease. Therefore, it has been classified as a Variant of Uncertain Significance.

CeGaT Center for Human Genetics Tuebingen
Classification: Uncertain significance. Last evaluated: 2023-07-01. Review status: criteria provided, single submitter. Criteria: CeGaT Center For Human Genetics Tuebingen Variant Classification Criteria Version 2. Collection method: clinical testing. Allele origin: germline. Affected: yes. Observed: 1 variant allele.
Comment: USP53: PM2, BP4